The following is an entry in ClinVar:

ClinVar aggregate classification (germline): Uncertain significance (1 of 4 stars; one submission).

Conditions:
Hypertrophic cardiomyopathy. Also called: HYPERTROPHIC MYOCARDIOPATHY. Identifiers: Orphanet 217569, MedGen C0007194, MeSH D002312, MONDO:0005045, HP:0001639.

Submission:

Labcorp Genetics (formerly Invitae), Labcorp
Classification: Uncertain significance for Hypertrophic cardiomyopathy. Last evaluated: 2025-11-26. Review status: criteria provided, single submitter. Criteria: Invitae Variant Classification Sherloc (09022015). Collection method: clinical testing. Allele origin: germline.
Comment: This variant results in the deletion of part of exon 32 (c.4354-4_4363del) of the MYH7 gene. It affects a nucleotide within the consensus splice site. This variant is not present in population databases (gnomAD no frequency). This variant has not been reported in the literature in individuals affected with MYH7-related conditions. Variants that disrupt the consensus splice site are a relatively common cause of aberrant splicing (PMID: 17576681, 9536098). In summary, the available evidence is currently insufficient to determine the role of this variant in disease. Therefore, it has been classified as a Variant of Uncertain Significance.

Literature cited by the submitters: PubMed 17576681; PubMed 9536098.

NM_000257.4(MYH7):c.4354-4_4363del

Genes: MHRT (myosin heavy chain associated RNA transcript; plus strand), MYH7 (myosin heavy chain 7; minus strand). Cytogenetic location: 14q11.2.
Variant type: Deletion.
Coding change: c.4354-4_4363del on transcript NM_000257.4 (MANE Select); 4 bases into the intron before coding-DNA position 4354 through coding-DNA position 4363, 14 bases deleted (GCAGATCCTGGCCG).
Molecular consequence: splice acceptor variant. On other transcripts: non-coding transcript variant (1).
Genome position (GRCh38, 1-based): chr14:23,417,309-23,417,322, CGGCCAGGATCTGC deleted on the plus strand (GCAGATCCTGGCCG on the coding strand, the reverse complement: MYH7 is on the minus strand); deleting any 14 consecutive bases within chr14:23,417,309-23,417,323 gives the same sequence; the c. name uses the placement nearest the transcript's 3' end. VCF-style (leftmost placement, unchanged base first): chr14-23417308-TCGGCCAGGATCTGC-T. GRCh37 (hg19) VCF-style: chr14-23886517-TCGGCCAGGATCTGC-T.
Other names: c.4354-4_4363del (NM_001407004.1).
Identifiers: ClinVar variation 4732051 (VCV004732051.1).